The following is an entry in ClinVar:

NM_004287.5(GOSR2):c.203+153C>G

Genes: LRRC37A2 (leucine rich repeat containing 37 member A2), GOSR2 (golgi SNAP receptor complex member 2; plus strand), LOC126862578 (BRD4-independent group 4 enhancer GRCh37_chr17:45008344-45009543; plus strand). Cytogenetic location: 17q21.32.
Variant type: single nucleotide variant.
Coding change: c.203+153C>G on transcript NM_004287.5 (MANE Select); 153 bases into the intron after coding-DNA position 203, C replaced by G.
Molecular consequence: intron variant.
Genome position (GRCh38, 1-based): chr17:46,931,360, C>G. VCF-style: chr17-46931360-C-G. GRCh37 (hg19) VCF-style: chr17-45008726-C-G.
Other names: c.203+153C>G (NM_001321133.2, NM_054022.4, NM_001330252.2 and 1 more transcripts); c.149+153C>G (NM_001363851.2, NM_001321134.2); c.200+153C>G (NM_001353114.2, NM_001353115.2, NM_001353116.2).
Identifiers: ClinVar variation 678183 (VCV000678183.1), dbSNP rs116434979, ClinGen allele CA291198246.

ClinVar aggregate classification (germline): Likely benign (1 of 4 stars; one submission).

Allele frequency attached by ClinVar (database versions not stated): gnomAD exomes 0.00051; 1000 Genomes Project 0.00260; 1000 Genomes Project 30x 0.00281; gnomAD 0.00519 and 0.00572; TOPMed 0.00601.
gnomAD v4.1: 1,054 of 667,406 alleles (0.16%); highest among the groups gnomAD compares: African/African-American, 1.8%; 12 homozygotes.

Submission:

GeneDx
Classification: Likely benign. Last evaluated: 2018-06-14. Review status: criteria provided, single submitter. Criteria: GeneDx Variant Classification (06012015). Collection method: clinical testing. Allele origin: germline. Affected: yes.
Comment: This variant is considered likely benign or benign based on one or more of the following criteria: it is a conservative change, it occurs at a poorly conserved position in the protein, it is predicted to be benign by multiple in silico algorithms, and/or has population frequency not consistent with disease.